The following is an entry in ClinVar:

NM_006393.3(NEBL):c.1685A>G (p.Asp562Gly)

Gene: NEBL (nebulette; minus strand). Cytogenetic location: 10p12.31.
Variant type: single nucleotide variant.
Coding change: c.1685A>G on transcript NM_006393.3 (MANE Select); coding-DNA position 1685, A replaced by G.
Protein change: p.Asp562Gly; replaces aspartic acid 562 with glycine.
Molecular consequence: missense variant. On other transcripts: intron variant (9).
Genome position (GRCh38, 1-based): chr10:20,828,621, T>C on the plus strand (A>G on the coding strand, the complement: NEBL is on the minus strand). VCF-style: chr10-20828621-T-C. GRCh37 (hg19) VCF-style: chr10-21117550-T-C.
Other names: c.250-15681A>G (NM_001377326.1, NM_001377327.1, NM_001377328.1); c.358-15681A>G (NM_213569.2, NM_001173484.2, NM_001377322.1); c.301-15681A>G (NM_001377324.1); c.292-15681A>G (NM_001377325.1); c.310-15681A>G (NM_001377323.1); short protein forms D562G.
Identifiers: ClinVar variation 4749155 (VCV004749155.1).

ClinVar aggregate classification (germline): Uncertain significance (1 of 4 stars; one submission).

Conditions:
Primary dilated cardiomyopathy (DCM). Also called: Dilated Cardiomyopathy. Identifiers: Orphanet 217604, MedGen C0007193, MeSH D002311, MONDO:0005021, HP:0001644. Inheritance: Various modes of inheritance.

gnomAD v4.1: 2 of 1,567,950 alleles (0.00013%); highest among the groups gnomAD compares: Non-Finnish European, 0.000088%; no homozygotes.

Submission:

Labcorp Genetics (formerly Invitae), Labcorp
Classification: Uncertain significance for Primary dilated cardiomyopathy. Last evaluated: 2025-09-10. Review status: criteria provided, single submitter. Criteria: Invitae Variant Classification Sherloc (09022015). Collection method: clinical testing. Allele origin: germline.
Comment: This sequence change replaces aspartic acid, which is acidic and polar, with glycine, which is neutral and non-polar, at codon 562 of the NEBL protein (p.Asp562Gly). This variant is not present in population databases (gnomAD no frequency). This variant has not been reported in the literature in individuals affected with NEBL-related conditions. An algorithm developed to predict the effect of missense changes on protein structure and function (PolyPhen-2) suggests that this variant is likely to be tolerated. In summary, the available evidence is currently insufficient to determine the role of this variant in disease. Therefore, it has been classified as a Variant of Uncertain Significance.